The following is an entry in ClinVar:

NM_016120.4(RLIM):c.999T>A (p.Tyr333Ter)

Gene: RLIM (ring finger protein, LIM domain interacting; minus strand). Cytogenetic location: Xq13.2.
Variant type: single nucleotide variant.
Coding change: c.999T>A on transcript NM_016120.4 (MANE Select); coding-DNA position 999, T replaced by A.
Protein change: p.Tyr333Ter; replaces tyrosine 333 with a stop codon.
Molecular consequence: nonsense.
Genome position (GRCh38, 1-based): chrX:74,592,316, A>T on the plus strand (T>A on the coding strand, the complement: RLIM is on the minus strand). VCF-style: chrX-74592316-A-T. GRCh37 (hg19) VCF-style: chrX-73812151-A-T.
Other names: c.999T>A, p.Tyr333Ter (NM_183353.3); short protein forms Y333*.
Identifiers: ClinVar variation 4795328 (VCV004795328.1).
Genomic context (GRCh38, chrX:74,592,316, plus strand): 5'-AGTGTTGTTTGGTGTCTGAGACCTAGACCGAGTTCTGCTGGCTATGCTATCTCTCTGCCG[A>T]TATTCTCCAGGACGAACTCTTCTTACTTGAAGATCAAGGACTATGGTTGGAGGTCTCTGT-3'

ClinVar aggregate classification (germline): Uncertain significance (1 of 4 stars; one submission).

Submission:

GeneDx
Classification: Uncertain significance. Last evaluated: 2025-08-14. Review status: criteria provided, single submitter. Criteria: GeneDx Variant Classification Process June 2021. Collection method: clinical testing. Allele origin: germline. Affected: yes.
Comment: Not observed at significant frequency in large population cohorts (gnomAD); Has not been previously published as pathogenic or benign to our knowledge; Nonsense variant predicted to result in protein truncation as the last 292 amino acid(s) are lost with an unclear effect on protein function